The following is an entry in ClinVar:

ClinVar aggregate classification (germline): Uncertain significance. Review status: criteria provided, multiple submitters, no conflicts (2 of 4 stars). 2 submissions from 2 submitters: Uncertain significance (2). Last evaluated 2025-01-30.

Conditions:
Inborn genetic diseases. Identifiers: MedGen C0950123, MeSH D030342.

Allele frequency attached by ClinVar (database versions not stated): gnomAD exomes below 0.00001; gnomAD 0.00001; TOPMed 0.00001.
gnomAD v4.1: 7 of 1,539,624 alleles (0.00045%); highest among the groups gnomAD compares: Non-Finnish European, 0.00017%; no homozygotes.

Submissions (2):

Women's Health and Genetics/Laboratory Corporation of America, LabCorp
Classification: Uncertain significance. Last evaluated: 2025-01-30. Review status: criteria provided, single submitter. Criteria: LabCorp Variant Classification Summary - May 2015. Collection method: clinical testing. Allele origin: germline.
Comment: Variant summary: SRRM2 c.1075A>G (p.Thr359Ala) results in a non-conservative amino acid change in the encoded protein sequence. Three of five in-silico tools predict a benign effect of the variant on protein function. The variant allele was found at a frequency of 1.1e-05 in 184756 control chromosomes. The available data on variant occurrences in the general population are insufficient to allow any conclusion about variant significance. To our knowledge, no occurrence of c.1075A>G in individuals affected with Intellectual Developmental Disorder, Autosomal Dominant 72 and no experimental evidence demonstrating its impact on protein function have been reported. ClinVar contains an entry for this variant (Variation ID: 2247757). Based on the evidence outlined above, the variant was classified as uncertain significance.

Ambry Genetics
Classification: Uncertain significance for Inborn genetic diseases. Last evaluated: 2021-09-01. Review status: criteria provided, single submitter. Criteria: Ambry Variant Classification Scheme 2023. Collection method: clinical testing. Allele origin: germline.

NM_016333.4(SRRM2):c.1075A>G (p.Thr359Ala)

Gene: SRRM2 (serine/arginine repetitive matrix 2; plus strand). Cytogenetic location: 16p13.3.
Variant type: single nucleotide variant.
Coding change: c.1075A>G on transcript NM_016333.4 (MANE Select); coding-DNA position 1075, A replaced by G.
Protein change: p.Thr359Ala; replaces threonine 359 with alanine.
Molecular consequence: missense variant.
Genome position (GRCh38, 1-based): chr16:2,761,603, A>G. VCF-style: chr16-2761603-A-G. GRCh37 (hg19) VCF-style: chr16-2811604-A-G.
Other names: short protein forms T359A.
Identifiers: ClinVar variation 2247757 (VCV002247757.4), dbSNP rs1482152948, ClinGen allele CA394407860.